The following is an entry in ClinVar:

NM_015443.4(KANSL1):c.1474A>G (p.Thr492Ala)

Gene: KANSL1 (KAT8 regulatory NSL complex subunit 1). Cytogenetic location: 17q21.31.
Variant type: single nucleotide variant.
Coding change: c.1474A>G on transcript NM_015443.4 (MANE Select); coding-DNA position 1474, A replaced by G.
Protein change: p.Thr492Ala; replaces threonine 492 with alanine.
Molecular consequence: missense variant. On other transcripts: intron variant (4).
Genome position (GRCh38, 1-based): chr17:46,082,500, T>C on the plus strand (A>G on the coding strand, the complement: KANSL1 is on the minus strand). VCF-style: chr17-46082500-T-C. GRCh37 (hg19) VCF-style: chr17-44159866-T-C.
Other names: c.1474A>G, p.Thr492Ala (NM_001193465.2, NM_001193466.2, NM_001379198.1 and 14 more transcripts); c.208A>G, p.Thr70Ala (NM_001405882.1, NM_001405883.1, NM_001405884.1 and 1 more transcripts); c.1431+12060A>G (NM_001405881.1, NM_001405861.1, NM_001405859.1 and 1 more transcripts); short protein forms T492A, T70A.
Identifiers: ClinVar variation 4704894 (VCV004704894.1).

ClinVar aggregate classification (germline): Uncertain significance (1 of 4 stars; one submission).

Conditions:
Koolen-de Vries syndrome (KDVS). Identifiers: Orphanet 96169, MedGen C1864871, MONDO:0012496, OMIM 610443.

gnomAD v4.1: 2 of 1,612,546 alleles (0.00012%); highest among the groups gnomAD compares: Non-Finnish European, 0.00017%; no homozygotes.

Submission:

Labcorp Genetics (formerly Invitae), Labcorp
Classification: Uncertain significance for Koolen-de Vries syndrome. Last evaluated: 2025-12-11. Review status: criteria provided, single submitter. Criteria: Invitae Variant Classification Sherloc (09022015). Collection method: clinical testing. Allele origin: germline.
Comment: This sequence change replaces threonine, which is neutral and polar, with alanine, which is neutral and non-polar, at codon 492 of the KANSL1 protein (p.Thr492Ala). This variant is not present in population databases (gnomAD no frequency). This variant has not been reported in the literature in individuals affected with KANSL1-related conditions. An algorithm developed to predict the effect of missense changes on protein structure and function outputs the following: PolyPhen-2: "Benign". The alanine amino acid residue is found in multiple mammalian species, which suggests that this missense change does not adversely affect protein function. In summary, the available evidence is currently insufficient to determine the role of this variant in disease. Therefore, it has been classified as a Variant of Uncertain Significance.